The following is an entry in ClinVar:

ClinVar aggregate classification (germline): Uncertain significance (1 of 4 stars; one submission).

Allele frequency attached by ClinVar (database versions not stated): TOPMed below 0.00001.
gnomAD v4.1: 5 of 1,614,136 alleles (0.00031%); highest among the groups gnomAD compares: Non-Finnish European, 0.00042%; no homozygotes.

Submission:

GeneDx
Classification: Uncertain significance. Last evaluated: 2022-03-16. Review status: criteria provided, single submitter. Criteria: GeneDx Variant Classification Process June 2021. Collection method: clinical testing. Allele origin: germline. Affected: yes.
Comment: Not observed at significant frequency in large population cohorts (gnomAD); In silico analysis supports that this missense variant has a deleterious effect on protein structure/function; Has not been previously published as pathogenic or benign to our knowledge

NM_001020658.2(PUM1):c.281G>C (p.Gly94Ala)

Gene: PUM1 (pumilio RNA binding family member 1; minus strand). Cytogenetic location: 1p35.2.
Variant type: single nucleotide variant.
Coding change: c.281G>C on transcript NM_001020658.2 (MANE Select); coding-DNA position 281, G replaced by C.
Protein change: p.Gly94Ala; replaces glycine 94 with alanine.
Molecular consequence: missense variant.
Genome position (GRCh38, 1-based): chr1:31,059,286, C>G on the plus strand (G>C on the coding strand, the complement: PUM1 is on the minus strand). VCF-style: chr1-31059286-C-G. GRCh37 (hg19) VCF-style: chr1-31532133-C-G.
Other names: c.281G>C, p.Gly94Ala (NM_014676.3); short protein forms G94A.
Identifiers: ClinVar variation 1707884 (VCV001707884.2), dbSNP rs1181808790, ClinGen allele CA339572441.
Genomic context (GRCh38, chr1:31,059,286, plus strand): 5'-TCCCCAGTAGGCCATCGATGTTTGCTATTATTATAGCCGCCTCCTCCACTTCCTCCTCCC[C>G]CAAGCTGCTCACCATGCTGCCTCTGAAAGAAGTAGTCCACCATAGCGTCGTCCTGGGAAC-3'
Protein context (NP_001018494.1, residues 84-104): FFQRQHGEQL[Gly94Ala]GGGSGGGGYN